The following is an entry in ClinVar:

ClinVar aggregate classification (germline): Uncertain significance (1 of 4 stars; one submission).

Conditions:
Spermatogenic failure 18. Identifiers: MedGen C4539783, MONDO:0054615, OMIM 617576.
Ciliary dyskinesia, primary, 37 (CILD37). Also called: CILIARY DYSKINESIA, PRIMARY, 37, WITH OR WITHOUT SITUS INVERSUS. Identifiers: MedGen C4539798, MONDO:0033204, OMIM 617577.

gnomAD v4.1: 3 of 1,611,564 alleles (0.00019%); highest among the groups gnomAD compares: Non-Finnish European, 0.00025%; no homozygotes.

Submission:

Labcorp Genetics (formerly Invitae), Labcorp
Classification: Uncertain significance for Ciliary dyskinesia, primary, 37; Spermatogenic failure 18. Last evaluated: 2022-06-13. Review status: criteria provided, single submitter. Criteria: Invitae Variant Classification Sherloc (09022015). Collection method: clinical testing. Allele origin: germline.
Comment: In summary, the available evidence is currently insufficient to determine the role of this variant in disease. Therefore, it has been classified as a Variant of Uncertain Significance. Algorithms developed to predict the effect of sequence changes on RNA splicing suggest that this variant may create or strengthen a splice site. Algorithms developed to predict the effect of missense changes on protein structure and function (SIFT, PolyPhen-2, Align-GVGD) all suggest that this variant is likely to be disruptive. This variant has not been reported in the literature in individuals affected with DNAH1-related conditions. This variant is not present in population databases (gnomAD no frequency). This sequence change replaces glutamic acid, which is acidic and polar, with glutamine, which is neutral and polar, at codon 1641 of the DNAH1 protein (p.Glu1641Gln).

NM_015512.5(DNAH1):c.4921G>C (p.Glu1641Gln)

Gene: DNAH1 (dynein axonemal heavy chain 1; plus strand). Cytogenetic location: 3p21.1.
Variant type: single nucleotide variant.
Coding change: c.4921G>C on transcript NM_015512.5 (MANE Select); coding-DNA position 4921, G replaced by C.
Protein change: p.Glu1641Gln; replaces glutamic acid 1641 with glutamine.
Molecular consequence: missense variant.
Genome position (GRCh38, 1-based): chr3:52,361,707, G>C. VCF-style: chr3-52361707-G-C. GRCh37 (hg19) VCF-style: chr3-52395723-G-C.
Other names: short protein forms E1641Q.
Identifiers: ClinVar variation 1468859 (VCV001468859.6), dbSNP rs754476644, ClinGen allele CA353136549.